The following is an entry in ClinVar:

NM_000059.4(BRCA2):c.2085_2089del (p.Glu696fs)

Gene: BRCA2 (BRCA2 DNA repair associated; plus strand). Cytogenetic location: 13q13.1.
Variant type: Deletion.
Coding change: c.2085_2089del on transcript NM_000059.4 (MANE Select); coding-DNA positions 2085 to 2089, 5 bases deleted (GGAAA; older notation c.2085_2089delGGAAA).
Protein change: p.Glu696fs; shifts the reading frame from glutamic acid 696.
Molecular consequence: frameshift variant.
Genome position (GRCh38, 1-based): chr13:32,336,440-32,336,444, GGAAA deleted; deleting any 5 consecutive bases within chr13:32,336,438-32,336,444 gives the same sequence; the c. name uses the placement nearest the transcript's 3' end. VCF-style (leftmost placement, unchanged base first): chr13-32336437-TAAGGA-T. GRCh37 (hg19) VCF-style: chr13-32910574-TAAGGA-T.
Other names: 2312del5; c.2085_2089delGGAAA (NM_000059.3); short protein forms E696fs.
Identifiers: ClinVar variation 254496 (VCV000254496.2), dbSNP rs80359321, ClinGen allele CA014280.

ClinVar aggregate classification (germline): Pathogenic. Review status: reviewed by expert panel (3 of 4 stars). 2 submissions from 2 submitters: Pathogenic (1). 1 of the submissions does not count toward it. Last evaluated 2016-09-08.

Conditions:
Breast-ovarian cancer, familial, susceptibility to, 2 (BROVCA2). Also called: BRCA2 Hereditary Breast and Ovarian Cancer. Identifiers: Orphanet 145, MedGen C2675520, MONDO:0012933, OMIM 612555. Disease mechanism: loss of function.

Submissions (2):

Evidence-based Network for the Interpretation of Germline Mutant Alleles (ENIGMA)
Classification: Pathogenic for Breast-ovarian cancer, familial, susceptibility to, 2. Last evaluated: 2016-09-08. Review status: reviewed by expert panel. Criteria: ENIGMA BRCA1/2 Classification Criteria (2015). Collection method: curation. Allele origin: germline.
Comment: Variant allele predicted to encode a truncated non-functional protein.

Breast Cancer Information Core (BIC) (BRCA2)
Classification: Pathogenic for Breast-ovarian cancer, familial 2. Review status: no assertion criteria provided. Collection method: clinical testing. Allele origin: germline. Affected: yes. Observed: 1 variant allele. Not counted in ClinVar's aggregate classification.